The following is an entry in ClinVar:

ClinVar aggregate classification (germline): Likely benign (0 of 4 stars; one submission).

Conditions:
PITX3-related disorder. Also called: PITX3-related condition.

gnomAD v4.1: 177 of 1,547,986 alleles (0.011%); highest among the groups gnomAD compares: Non-Finnish European, 0.015%; no homozygotes.

Submission:

PreventionGenetics, part of Exact Sciences
Classification: Likely benign for PITX3-related condition. Last evaluated: 2024-06-17. Review status: no assertion criteria provided. Collection method: clinical testing. Allele origin: germline.
Comment: This variant is classified as likely benign based on ACMG/AMP sequence variant interpretation guidelines (Richards et al. 2015 PMID: 25741868, with internal and published modifications).

NM_005029.4(PITX3):c.630A>C (p.Pro210=)

Genes: GBF1 (golgi brefeldin A resistant guanine nucleotide exchange factor 1; plus strand), PITX3 (paired like homeodomain 3; minus strand). Cytogenetic location: 10q24.32.
Variant type: single nucleotide variant.
Coding change: c.630A>C on transcript NM_005029.4 (MANE Select); coding-DNA position 630, A replaced by C.
Protein change: p.Pro210=; no amino-acid change (proline 210 retained).
Molecular consequence: synonymous variant. On other transcripts: 5 prime UTR variant (2).
Genome position (GRCh38, 1-based): chr10:102,230,793, T>G on the plus strand (A>C on the coding strand, the complement: PITX3 is on the minus strand). VCF-style: chr10-102230793-T-G. GRCh37 (hg19) VCF-style: chr10-103990550-T-G.
Other names: c.-134T>G (NM_001391923.1); c.-272T>G (NM_001391924.1).
Identifiers: ClinVar variation 3358566 (VCV003358566.1).